The following is an entry in ClinVar:

NM_000075.4(CDK4):c.556C>T (p.Leu186Phe)

Gene: CDK4 (cyclin dependent kinase 4; minus strand). Cytogenetic location: 12q14.1.
Variant type: single nucleotide variant.
Coding change: c.556C>T on transcript NM_000075.4 (MANE Select); coding-DNA position 556, C replaced by T.
Protein change: p.Leu186Phe; replaces leucine 186 with phenylalanine.
Molecular consequence: missense variant.
Genome position (GRCh38, 1-based): chr12:57,750,732, G>A on the plus strand (C>T on the coding strand, the complement: CDK4 is on the minus strand). VCF-style: chr12-57750732-G-A. GRCh37 (hg19) VCF-style: chr12-58144515-G-A.
Other names: short protein forms L186F.
Identifiers: ClinVar variation 2178934 (VCV002178934.4), dbSNP rs2140385807, ClinGen allele CA385545888.

ClinVar aggregate classification (germline): Uncertain significance (1 of 4 stars; one submission).

Conditions:
Familial melanoma. Also called: Hereditary melanoma; Hereditary cutaneous melanoma. Identifiers: Orphanet 618, MedGen C1512419, MONDO:0018961.

Submission:

Labcorp Genetics (formerly Invitae), Labcorp
Classification: Uncertain significance for Familial melanoma. Last evaluated: 2023-09-04. Review status: criteria provided, single submitter. Criteria: Invitae Variant Classification Sherloc (09022015). Collection method: clinical testing. Allele origin: germline.
Comment: In summary, the available evidence is currently insufficient to determine the role of this variant in disease. Therefore, it has been classified as a Variant of Uncertain Significance. Advanced modeling of protein sequence and biophysical properties (such as structural, functional, and spatial information, amino acid conservation, physicochemical variation, residue mobility, and thermodynamic stability) performed at Invitae indicates that this missense variant is expected to disrupt CDK4 protein function. ClinVar contains an entry for this variant (Variation ID: 2178934). This variant has not been reported in the literature in individuals affected with CDK4-related conditions. This variant is not present in population databases (gnomAD no frequency). This sequence change replaces leucine, which is neutral and non-polar, with phenylalanine, which is neutral and non-polar, at codon 186 of the CDK4 protein (p.Leu186Phe).